The following is an entry in ClinVar:

ClinVar aggregate classification (germline): Conflicting classifications of pathogenicity. Review status: criteria provided, conflicting classifications (1 of 4 stars). 5 submissions from 5 submitters: Uncertain significance (4); Benign (1). Last evaluated 2026-01-28.

Conditions:
Hereditary cancer-predisposing syndrome. Also called: Tumor predisposition; Neoplastic Syndromes, Hereditary; Hereditary Cancer Syndrome; Hereditary neoplastic syndrome. Identifiers: Orphanet 140162, MedGen C0027672, MeSH D009386, MONDO:0015356.
Neuroblastoma, susceptibility to, 3. Also called: ALK-Related Neuroblastic Tumor Susceptibility. Identifiers: Orphanet 635, MedGen C2751681, MONDO:0013083, OMIM 613014.

Allele frequency attached by ClinVar (database versions not stated): gnomAD exomes 0.00007 and 0.00008; gnomAD 0.00008; TOPMed 0.00009; ExAC 0.00011; 1000 Genomes Project 30x 0.00031; 1000 Genomes Project 0.00040.
gnomAD v4.1: 120 of 1,614,136 alleles (0.0074%); highest among the groups gnomAD compares: Middle Eastern, 0.066%; 1 homozygote.

Submissions (5):

Labcorp Genetics (formerly Invitae), Labcorp
Classification: Uncertain significance for Neuroblastoma, susceptibility to, 3. Last evaluated: 2026-01-28. Review status: criteria provided, single submitter. Criteria: Invitae Variant Classification Sherloc (09022015). Collection method: clinical testing. Allele origin: germline.
Comment: This sequence change replaces glycine, which is neutral and non-polar, with arginine, which is basic and polar, at codon 667 of the ALK protein (p.Gly667Arg). This variant is present in population databases (rs539763601, gnomAD 0.03%). This variant has not been reported in the literature in individuals affected with ALK-related conditions. ClinVar contains an entry for this variant (Variation ID: 404326). An algorithm developed to predict the effect of missense changes on protein structure and function outputs the following: PolyPhen-2: "Benign". The arginine amino acid residue is found in multiple mammalian species, which suggests that this missense change does not adversely affect protein function. In summary, the available evidence is currently insufficient to determine the role of this variant in disease. Therefore, it has been classified as a Variant of Uncertain Significance.

St. Jude Molecular Pathology, St. Jude Children's Research Hospital
Classification: Uncertain significance for Neuroblastoma, susceptibility to, 3. Last evaluated: 2024-07-08. Review status: criteria provided, single submitter. Criteria: St. Jude Assertion Criteria 2020. Collection method: clinical testing. Allele origin: germline.
Comment: The ALK c.1999G>A (p.Gly667Arg) missense change has a maximum subpopulation frequency of 0.03% in gnomAD v2.1.1. The in silico tool REVEL predicts a benign effect on protein function, but to our knowledge this prediction has not been confirmed by functional studies. To our knowledge, this variant has not been reported in the literature in individuals with ALK-related neuroblastic tumor susceptibility. In summary, the evidence currently available is insufficient to determine the clinical significance of this variant. It has therefore been classified as of uncertain significance.

Ambry Genetics
Classification: Benign for Hereditary cancer-predisposing syndrome. Last evaluated: 2024-06-25. Review status: criteria provided, single submitter. Criteria: Ambry Variant Classification Scheme 2023. Collection method: clinical testing. Allele origin: germline.

Baylor Genetics
Classification: Uncertain significance for Neuroblastoma, susceptibility to, 3. Last evaluated: 2019-07-04. Review status: criteria provided, single submitter. Criteria: ACMG Guidelines, 2015. Collection method: clinical testing. Allele origin: unknown. Affected: yes. Study: CSER-TexasKidsCanSeq.
Comment: This variant was determined to be of uncertain significance according to ACMG Guidelines, 2015 [PMID:25741868].

Fulgent Genetics
Classification: Uncertain significance for Neuroblastoma, susceptibility to, 3. Last evaluated: 2018-10-31. Review status: criteria provided, single submitter. Criteria: ACMG Guidelines, 2015. Collection method: clinical testing. Allele origin: unknown.

NM_004304.5(ALK):c.1999G>A (p.Gly667Arg)

Gene: ALK (ALK receptor tyrosine kinase; minus strand). Cytogenetic location: 2p23.2.
Variant type: single nucleotide variant.
Coding change: c.1999G>A on transcript NM_004304.5 (MANE Select); coding-DNA position 1999, G replaced by A.
Protein change: p.Gly667Arg; replaces glycine 667 with arginine.
Molecular consequence: missense variant.
Genome position (GRCh38, 1-based): chr2:29,275,141, C>T on the plus strand (G>A on the coding strand, the complement: ALK is on the minus strand). VCF-style: chr2-29275141-C-T. GRCh37 (hg19) VCF-style: chr2-29498007-C-T.
Other names: short protein forms G667R.
Identifiers: ClinVar variation 404326 (VCV000404326.13), dbSNP rs539763601, ClinGen allele CA1594466.